The following is an entry in ClinVar:

NM_015610.4(WIPI2):c.504C>T (p.Asn168=)

Gene: WIPI2 (WD repeat domain, phosphoinositide interacting 2; plus strand). Cytogenetic location: 7p22.1.
Variant type: single nucleotide variant.
Coding change: c.504C>T on transcript NM_015610.4 (MANE Select); coding-DNA position 504, C replaced by T.
Protein change: p.Asn168=; no amino-acid change (asparagine 168 retained).
Molecular consequence: synonymous variant.
Genome position (GRCh38, 1-based): chr7:5,217,115, C>T. VCF-style: chr7-5217115-C-T. GRCh37 (hg19) VCF-style: chr7-5256746-C-T.
Other names: c.504C>T, p.Asn168= (NM_001033518.2); c.450C>T, p.Asn150= (NM_001033519.2, NM_016003.4); c.327C>T, p.Asn109= (NM_001033520.1); c.72C>T, p.Asn24= (NM_001278299.2).
Identifiers: ClinVar variation 4821484 (VCV004821484.4).

ClinVar aggregate classification (germline): Likely benign (1 of 4 stars; one submission).

gnomAD v4.1: 539 of 1,613,420 alleles (0.033%); highest among the groups gnomAD compares: Non-Finnish European, 0.041%; no homozygotes.

Submission:

CeGaT Center for Human Genetics Tuebingen
Classification: Likely benign. Last evaluated: 2026-03-01. Review status: criteria provided, single submitter. Criteria: CeGaT Center For Human Genetics Tuebingen Variant Classification Criteria Version 2. Collection method: clinical testing. Allele origin: germline. Affected: yes. Observed: 1 variant allele.
Comment: WIPI2: BP4, BP7